The following is an entry in ClinVar:

NM_001024630.4(RUNX2):c.177GCA[7] (p.Gln71dup)

Genes: RUNX2 (RUNX family transcription factor 2; plus strand), LOC109611589 (runt related transcription factor 2 polyalanine expansion region; plus strand). Cytogenetic location: 6p21.1.
Variant type: Microsatellite.
Coding change: c.177GCA[7] on transcript NM_001024630.4 (MANE Select); seven copies in a row of the 3-base unit GCA starting at c.177; the reference has six copies in a row; one copy, 3 bases duplicated.
Protein change: p.Gln71dup; duplicates glutamine 71.
Molecular consequence: inframe insertion.
Genome position (GRCh38, 1-based): chr6:45,422,726-45,422,728, GCA duplicated; duplicating any 3 consecutive bases within chr6:45,422,709-45,422,728 gives the same sequence; the position shown is the placement nearest the transcript's 3' end. VCF-style (leftmost placement, unchanged base first): chr6-45422708-A-ACAG. GRCh37 (hg19) VCF-style: chr6-45390445-A-ACAG.
Other names: c.177GCA[7], p.Gln71dup (NM_001015051.4); c.135GCA[7], p.Gln57dup (NM_001278478.2, NM_001369405.1).
Identifiers: ClinVar variation 1192123 (VCV001192123.8), dbSNP rs759395776, ClinGen allele CA3836288.

ClinVar aggregate classification (germline): Conflicting classifications of pathogenicity. Review status: criteria provided, conflicting classifications (1 of 4 stars). 2 submissions from 2 submitters: Uncertain significance (1); Likely benign (1). Last evaluated 2025-10-01.

Submissions (2):

Labcorp Genetics (formerly Invitae), Labcorp
Classification: Uncertain significance. Last evaluated: 2025-10-01. Review status: criteria provided, single submitter. Criteria: Invitae Variant Classification Sherloc (09022015). Collection method: clinical testing. Allele origin: germline.
Comment: This variant, c.192_194dup, results in the insertion of 1 amino acid(s) of the RUNX2 protein (p.Gln71dup), but otherwise preserves the integrity of the reading frame. The frequency data for this variant in the population databases is considered unreliable, as metrics indicate poor data quality at this position in the gnomAD database. This variant has not been reported in the literature in individuals affected with RUNX2-related conditions. Experimental studies and prediction algorithms are not available or were not evaluated, and the functional significance of this variant is currently unknown. In summary, the available evidence is currently insufficient to determine the role of this variant in disease. Therefore, it has been classified as a Variant of Uncertain Significance.

GeneDx
Classification: Likely benign. Last evaluated: 2019-05-09. Review status: criteria provided, single submitter. Criteria: GeneDx Variant Classification Process June 2021. Collection method: clinical testing. Allele origin: germline. Affected: yes.